The following is an entry in ClinVar:

ClinVar aggregate classification (germline): Uncertain significance (1 of 4 stars; one submission).

Allele frequency attached by ClinVar (database versions not stated): TOPMed below 0.00001; ExAC 0.00001.
gnomAD v4.1: 1 of 1,614,050 alleles (0.000062%); highest among the groups gnomAD compares: Admixed American, 0.0017%; no homozygotes.

Submission:

Labcorp Genetics (formerly Invitae), Labcorp
Classification: Uncertain significance. Last evaluated: 2023-05-01. Review status: criteria provided, single submitter. Criteria: Invitae Variant Classification Sherloc (09022015). Collection method: clinical testing. Allele origin: germline.
Comment: In summary, the available evidence is currently insufficient to determine the role of this variant in disease. Therefore, it has been classified as a Variant of Uncertain Significance. Advanced modeling of protein sequence and biophysical properties (such as structural, functional, and spatial information, amino acid conservation, physicochemical variation, residue mobility, and thermodynamic stability) performed at Invitae indicates that this missense variant is not expected to disrupt SETD5 protein function. This variant has not been reported in the literature in individuals affected with SETD5-related conditions. This variant is present in population databases (rs761655087, gnomAD 0.003%). This sequence change replaces serine, which is neutral and polar, with cysteine, which is neutral and slightly polar, at codon 570 of the SETD5 protein (p.Ser570Cys).

NM_001080517.3(SETD5):c.1709C>G (p.Ser570Cys)

Gene: SETD5 (SET domain containing 5; plus strand). Cytogenetic location: 3p25.3.
Variant type: single nucleotide variant.
Coding change: c.1709C>G on transcript NM_001080517.3 (MANE Select); coding-DNA position 1709, C replaced by G.
Protein change: p.Ser570Cys; replaces serine 570 with cysteine.
Molecular consequence: missense variant.
Genome position (GRCh38, 1-based): chr3:9,447,234, C>G. VCF-style: chr3-9447234-C-G. GRCh37 (hg19) VCF-style: chr3-9488918-C-G.
Other names: c.1415C>G, p.Ser472Cys (NM_001292043.2, NM_001349451.2); short protein forms S472C, S570C.
Identifiers: ClinVar variation 2753032 (VCV002753032.1), dbSNP rs761655087, ClinGen allele CA2239268.